The following is an entry in ClinVar:

ClinVar aggregate classification (germline): Uncertain significance (1 of 4 stars; one submission).

Submission:

GeneDx
Classification: Uncertain significance. Last evaluated: 2017-10-18. Review status: criteria provided, single submitter. Criteria: GeneDx Variant Classification (06012015). Collection method: clinical testing. Allele origin: germline. Affected: yes.
Comment: The S447L variant has not been published as a pathogenic variant, nor has it been reported as a benign variant to our knowledge. The S447L variant is not observed in large population cohorts (Lek et al., 2016). This variant is a non-conservative amino acid substitution, which is likely to impact secondary protein structure as these residues differ in polarity, charge, size and/or other properties. This substitution occurs at a position that is conserved in mammals. In silico analysis predicts this variant is probably damaging to the protein structure/function. However, missense variants in nearby residues have not been reported in the Human Gene Mutation Database in association with ZMYND11-related disorders (Stenson et al., 2014).

NM_001370100.5(ZMYND11):c.1340C>T (p.Ser447Leu)

Genes: ZMYND11 (zinc finger MYND-type containing 11; plus strand), LOC126860802 (BRD4-independent group 4 enhancer GRCh37_chr10:294268-295467; plus strand). Cytogenetic location: 10p15.3.
Variant type: single nucleotide variant.
Coding change: c.1340C>T on transcript NM_001370100.5 (MANE Select); coding-DNA position 1340, C replaced by T.
Protein change: p.Ser447Leu; replaces serine 447 with leucine.
Molecular consequence: missense variant. On other transcripts: non-coding transcript variant (1).
Genome position (GRCh38, 1-based): chr10:248,448, C>T. VCF-style: chr10-248448-C-T. GRCh37 (hg19) VCF-style: chr10-294388-C-T.
Other names: c.1178C>T, p.Ser393Leu (NM_001202464.3, NM_001202467.1, NM_001370103.2 and 6 more transcripts); c.1085C>T, p.Ser362Leu (NM_001202465.3, NM_001370110.2); c.1175C>T, p.Ser392Leu (NM_001202466.3, NM_001370111.2); c.1340C>T, p.Ser447Leu (NM_001202468.1, NM_001370097.3, NM_001370098.2 and 4 more transcripts); c.1289C>T, p.Ser430Leu (NM_001330057.3, NM_001370112.2); c.1247C>T, p.Ser416Leu (NM_001370113.2, NM_001370114.2); c.1337C>T, p.Ser446Leu (NM_001370115.2, NM_212479.4); c.1274C>T, p.Ser425Leu (NM_001370116.2); and 8 more; short protein forms S447L, S392L, S398L, S425L, S345L, S362L, S393L, S424L.
Identifiers: ClinVar variation 452833 (VCV000452833.2), dbSNP rs1554793325, ClinGen allele CA375822400.